The following is an entry in ClinVar:

NM_006206.6(PDGFRA):c.1428C>A (p.Ile476=)

Gene: PDGFRA (platelet derived growth factor receptor alpha; plus strand). Cytogenetic location: 4q12.
Variant type: single nucleotide variant.
Coding change: c.1428C>A on transcript NM_006206.6 (MANE Select); coding-DNA position 1428, C replaced by A.
Protein change: p.Ile476=; no amino-acid change (isoleucine 476 retained).
Molecular consequence: synonymous variant.
Genome position (GRCh38, 1-based): chr4:54,273,600, C>A. VCF-style: chr4-54273600-C-A. GRCh37 (hg19) VCF-style: chr4-55139767-C-A.
Other names: c.1428C>A, p.Ile476= (NM_001347827.2, NM_001347829.2); c.1503C>A, p.Ile501= (NM_001347828.2); c.1467C>A, p.Ile489= (NM_001347830.2).
Identifiers: ClinVar variation 414480 (VCV000414480.15), dbSNP rs778534563, ClinGen allele CA2922565.

ClinVar aggregate classification (germline): Benign/Likely benign. Review status: criteria provided, multiple submitters, no conflicts (2 of 4 stars). 3 submissions from 3 submitters: Benign (1); Likely benign (2). Last evaluated 2026-06-17.

Conditions:
Gastrointestinal stromal tumor. Also called: Gastrointestinal stroma tumor; Gastrointestinal stromal tumor, somatic. Identifiers: Orphanet 44890, MedGen C0238198, MeSH D046152, MONDO:0011719, OMIM 606764, HP:0100723.
Polyps, multiple and recurrent inflammatory fibroid, gastrointestinal. Identifiers: MedGen C5193005, MONDO:0008285, OMIM 175510.
Hereditary cancer-predisposing syndrome. Also called: Neoplastic Syndromes, Hereditary; Hereditary Cancer Syndrome; Hereditary neoplastic syndrome; Tumor predisposition. Identifiers: Orphanet 140162, MedGen C0027672, MeSH D009386, MONDO:0015356.

Allele frequency attached by ClinVar (database versions not stated): gnomAD exomes 0.00001 and 0.00003; ExAC 0.00002; TOPMed 0.00002.
gnomAD v4.1: 7 of 1,614,000 alleles (0.00043%); highest among the groups gnomAD compares: East Asian, 0.016%; no homozygotes.

Submissions (3):

Myriad Genetics, Inc.
Classification: Benign for Polyps, multiple and recurrent inflammatory fibroid, gastrointestinal. Last evaluated: 2026-06-17. Review status: criteria provided, single submitter. Criteria: Myriad Autosomal Dominant, Autosomal Recessive and X-Linked Classification Criteria (2023). Collection method: clinical testing. Allele origin: unknown.
Comment: This variant is considered benign. This variant is a silent/synonymous amino acid change and it is not expected to impact splicing.

Labcorp Genetics (formerly Invitae), Labcorp
Classification: Likely benign for Gastrointestinal stromal tumor. Last evaluated: 2025-12-08. Review status: criteria provided, single submitter. Criteria: Invitae Variant Classification Sherloc (09022015). Collection method: clinical testing. Allele origin: germline.

Ambry Genetics
Classification: Likely benign for Hereditary cancer-predisposing syndrome. Last evaluated: 2023-03-04. Review status: criteria provided, single submitter. Criteria: Ambry Variant Classification Scheme 2023. Collection method: clinical testing. Allele origin: germline.